The following is an entry in ClinVar:

ClinVar aggregate classification (germline): Benign (1 of 4 stars; one submission).

gnomAD v4.1: 1,160 of 1,560,834 alleles (0.074%); highest among the groups gnomAD compares: African/African-American, 1.3%; 10 homozygotes.

Submission:

Mayo Clinic Laboratories, Mayo Clinic
Classification: Benign. Last evaluated: 2025-09-26. Review status: criteria provided, single submitter. Criteria: ACMG Guidelines, 2015. Collection method: clinical testing. Allele origin: germline. Observed: 6 variant alleles.
Comment: BS1, BS2, BP4, BP7

NM_015102.5(NPHP4):c.2612-21C>T

Gene: NPHP4 (nephrocystin 4; minus strand). Cytogenetic location: 1p36.31.
Variant type: single nucleotide variant.
Coding change: c.2612-21C>T on transcript NM_015102.5 (MANE Select); 21 bases into the intron before coding-DNA position 2612, C replaced by T.
Molecular consequence: intron variant.
Genome position (GRCh38, 1-based): chr1:5,877,319, G>A on the plus strand (C>T on the coding strand, the complement: NPHP4 is on the minus strand). VCF-style: chr1-5877319-G-A. GRCh37 (hg19) VCF-style: chr1-5937379-G-A.
Other names: p.?; c.1076-21C>T (NM_001291594.2); c.1073-21C>T (NM_001291593.2).
Identifiers: ClinVar variation 4684077 (VCV004684077.1).